The following is an entry in ClinVar:

NM_005751.5(AKAP9):c.4916A>G (p.Gln1639Arg)

Gene: AKAP9 (A-kinase anchoring protein 9; plus strand). Cytogenetic location: 7q21.2.
Variant type: single nucleotide variant.
Coding change: c.4916A>G on transcript NM_005751.5 (MANE Select); coding-DNA position 4916, A replaced by G.
Protein change: p.Gln1639Arg; replaces glutamine 1639 with arginine.
Molecular consequence: missense variant.
Genome position (GRCh38, 1-based): chr7:92,040,897, A>G. VCF-style: chr7-92040897-A-G. GRCh37 (hg19) VCF-style: chr7-91670211-A-G.
Other names: c.4916A>G, p.Gln1639Arg (NM_147185.3); short protein forms Q1639R.
Identifiers: ClinVar variation 946742 (VCV000946742.9), dbSNP rs1805992353, ClinGen allele CA368129875.
Genomic context (GRCh38, chr7:92,040,897, plus strand): 5'-AGCGAGAAGACCAGGAACAGCTACAAGAAGAGATTAAGAGACTTAATAGACAATTAGCCC[A>G]GGTAAGGGTCTTGTAGTCCCCTTTCTCTCCCCAGTTATTTTTTTTTCCAAACACCAACTT-3'
Protein context (NP_005742.4, residues 1629-1649): EIKRLNRQLA[Gln1639Arg]RSSIDNENLV

ClinVar aggregate classification (germline): Uncertain significance (1 of 4 stars; one submission).

Conditions:
Long QT syndrome (LQTS). Identifiers: MedGen C0023976, MeSH D008133, MONDO:0002442. Disease mechanism: loss of function. Inheritance: Various modes of inheritance.

Submission:

Labcorp Genetics (formerly Invitae), Labcorp
Classification: Uncertain significance for Long QT syndrome. Last evaluated: 2019-05-27. Review status: criteria provided, single submitter. Criteria: Invitae Variant Classification Sherloc (09022015). Collection method: clinical testing. Allele origin: germline.
Comment: This sequence change replaces glutamine with arginine at codon 1639 of the AKAP9 protein (p.Gln1639Arg). The glutamine residue is moderately conserved and there is a small physicochemical difference between glutamine and arginine. In summary, the available evidence is currently insufficient to determine the role of this variant in disease. Therefore, it has been classified as a Variant of Uncertain Significance. Algorithms developed to predict the effect of missense changes on protein structure and function are either unavailable or do not agree on the potential impact of this missense change (SIFT: "Tolerated"; PolyPhen-2: "Probably Damaging"; Align-GVGD: "Class C0"). This variant has not been reported in the literature in individuals with AKAP9-related conditions. This variant is not present in population databases (ExAC no frequency).